The following is an entry in ClinVar:

NM_001033855.3(DCLRE1C):c.318dup (p.Val107fs)

Gene: DCLRE1C (DNA cross-link repair 1C; minus strand). Cytogenetic location: 10p13.
Variant type: Duplication.
Coding change: c.318dup on transcript NM_001033855.3 (MANE Select); coding-DNA position 318, one base duplicated (T; older notation c.318dupT).
Protein change: p.Val107fs; shifts the reading frame from valine 107.
Molecular consequence: frameshift variant. On other transcripts: 5 prime UTR variant (5), non-coding transcript variant (3), intron variant (4).
Genome position (GRCh38, 1-based): chr10:14,936,582, A duplicated on the plus strand (T on the coding strand, the reverse complement: DCLRE1C is on the minus strand); the first of 2 consecutive A bases (chr10:14,936,582-14,936,583); duplicating either gives the same sequence. VCF-style (leftmost placement, unchanged base first): chr10-14936581-C-CA. GRCh37 (hg19) VCF-style: chr10-14978580-C-CA.
Other names: c.-43dup (NM_001033857.3, NM_001033858.3, NM_001289077.2 and 2 more transcripts); c.318dup, p.Val107fs (NM_001350965.2); c.18-1018dup (NM_001350966.2, NM_001289078.2, NM_001289076.2 and 1 more transcripts); short protein forms V107fs.
Identifiers: ClinVar variation 2760395 (VCV002760395.3), dbSNP rs2492078479, ClinGen allele CA2697558268.

ClinVar aggregate classification (germline): Pathogenic (1 of 4 stars; one submission).

Conditions:
Severe combined immunodeficiency due to DCLRE1C deficiency (RS-SCID). Also called: SCID, AUTOSOMAL RECESSIVE, T CELL-NEGATIVE, B CELL-NEGATIVE, NK CELL-POSITIVE, WITH SENSITIVITY TO IONIZING RADIATION. Identifiers: Orphanet 275, MedGen C1865371, MONDO:0011225, OMIM 602450.

Submission:

Labcorp Genetics (formerly Invitae), Labcorp
Classification: Pathogenic for Athabaskan severe combined immunodeficiency. Last evaluated: 2023-09-12. Review status: criteria provided, single submitter. Criteria: Invitae Variant Classification Sherloc (09022015). Collection method: clinical testing. Allele origin: germline.
Comment: For these reasons, this variant has been classified as Pathogenic. This variant has not been reported in the literature in individuals affected with DCLRE1C-related conditions. This variant is not present in population databases (gnomAD no frequency). This sequence change creates a premature translational stop signal (p.Val107Cysfs*22) in the DCLRE1C gene. It is expected to result in an absent or disrupted protein product. Loss-of-function variants in DCLRE1C are known to be pathogenic (PMID: 21664875, 26123418).

Literature cited by the submitters: PubMed 21664875; PubMed 26123418.